The following is an entry in ClinVar:

NM_015047.3(EMC1):c.542dup (p.Tyr181Ter)

Gene: EMC1 (ER membrane protein complex subunit 1; minus strand). Cytogenetic location: 1p36.13.
Variant type: Duplication.
Coding change: c.542dup on transcript NM_015047.3 (MANE Select); coding-DNA position 542, one base duplicated (A; older notation c.542dupA).
Protein change: p.Tyr181Ter; replaces tyrosine 181 with a stop codon.
Molecular consequence: nonsense.
Genome position (GRCh38, 1-based): chr1:19,241,110, T duplicated on the plus strand (A on the coding strand, the reverse complement: EMC1 is on the minus strand). VCF-style (leftmost placement, unchanged base first): chr1-19241109-G-GT. GRCh37 (hg19) VCF-style: chr1-19567603-G-GT.
Other names: c.542dup, p.Tyr181Ter (NM_001271427.2, NM_001271428.2, NM_001375820.1 and 1 more transcripts); c.476dup, p.Tyr159Ter (NM_001271429.2); short protein forms Y159*, Y181*.
Identifiers: ClinVar variation 1957802 (VCV001957802.6), dbSNP rs1167848259, ClinGen allele CA521517069.

ClinVar aggregate classification (germline): Pathogenic/Likely pathogenic. Review status: criteria provided, multiple submitters, no conflicts (2 of 4 stars). 2 submissions from 2 submitters: Pathogenic (1); Likely pathogenic (1). Last evaluated 2025-04-01.

Conditions:
EMC1-related disorder. Also called: EMC1-related condition.

Allele frequency attached by ClinVar (database versions not stated): gnomAD exomes below 0.00001; gnomAD 0.00001; TOPMed 0.00001.

Submissions (2):

Labcorp Genetics (formerly Invitae), Labcorp
Classification: Pathogenic. Last evaluated: 2025-04-01. Review status: criteria provided, single submitter. Criteria: Invitae Variant Classification Sherloc (09022015). Collection method: clinical testing. Allele origin: germline.
Comment: This sequence change creates a premature translational stop signal (p.Tyr181*) in the EMC1 gene. It is expected to result in an absent or disrupted protein product. Loss-of-function variants in EMC1 are known to be pathogenic (PMID: 26572623, 26942288, 29271071). This variant is present in population databases (no rsID available, gnomAD 0.003%). This variant has not been reported in the literature in individuals affected with EMC1-related conditions. ClinVar contains an entry for this variant (Variation ID: 1957802). For these reasons, this variant has been classified as Pathogenic.

Blueprint Genetics
Classification: Likely pathogenic for EMC1-related disorders. Last evaluated: 2022-11-06. Review status: criteria provided, single submitter. Criteria: ACMG Guidelines, 2015. Collection method: clinical testing. Allele origin: germline. Affected: yes. Observed: 1 variant allele.

Literature cited by the submitters: PubMed 26572623 (cited by Labcorp Genetics (formerly Invitae), Labcorp); PubMed 26942288 (cited by Labcorp Genetics (formerly Invitae), Labcorp); PubMed 29271071 (cited by Labcorp Genetics (formerly Invitae), Labcorp).